The following is an entry in ClinVar:

ClinVar aggregate classification (germline): Pathogenic. Review status: criteria provided, multiple submitters, no conflicts (2 of 4 stars). 2 submissions from 2 submitters: Pathogenic (2). Last evaluated 2024-01-04.

Conditions:
RAD51D-related disorder. Also called: RAD51D-related condition.
Breast-ovarian cancer, familial, susceptibility to, 4. Identifiers: Orphanet 145, MedGen C3280345, MONDO:0013669, OMIM 614291.

Submissions (2):

Myriad Genetics, Inc.
Classification: Pathogenic for Breast-ovarian cancer, familial, susceptibility to, 4. Last evaluated: 2024-01-04. Review status: criteria provided, single submitter. Criteria: Myriad Autosomal Dominant, Autosomal Recessive and X-Linked Classification Criteria (2023). Collection method: clinical testing. Allele origin: unknown.
Comment: This variant is considered pathogenic. This variant creates a frameshift predicted to result in premature protein truncation.

PreventionGenetics, part of Exact Sciences
Classification: Pathogenic for RAD51D-related condition. Last evaluated: 2023-09-14. Review status: criteria provided, single submitter. Criteria: ACMG Guidelines, 2015. Collection method: clinical testing. Allele origin: germline.
Comment: The RAD51D c.340dupA variant is predicted to result in a frameshift and premature protein termination (p.Thr114Asnfs*40). To our knowledge, this variant has not been reported in the literature or in a large population database, indicating this variant is rare. This variant is not reported in the ClinVar database. Frameshift variants in RAD51D are expected to be pathogenic. This variant is interpreted as pathogenic.

NM_002878.4(RAD51D):c.340dup (p.Thr114fs)

Genes: RAD51D (RAD51 paralog D; minus strand), RAD51L3-RFFL (RAD51L3-RFFL readthrough; minus strand). Cytogenetic location: 17q12.
Variant type: Duplication.
Coding change: c.340dup on transcript NM_002878.4 (MANE Select); coding-DNA position 340, one base duplicated (A; older notation c.340dupA).
Protein change: p.Thr114fs; shifts the reading frame from threonine 114.
Molecular consequence: frameshift variant. On other transcripts: non-coding transcript variant (2), intron variant (1).
Genome position (GRCh38, 1-based): chr17:35,107,371, T duplicated on the plus strand (A on the coding strand, the reverse complement: RAD51D is on the minus strand); the first of 4 consecutive T bases (chr17:35,107,371-35,107,374); duplicating any one gives the same sequence. VCF-style (leftmost placement, unchanged base first): chr17-35107370-G-GT. GRCh37 (hg19) VCF-style: chr17-33434389-G-GT.
Other names: c.400dup, p.Thr134fs (NM_001142571.2); c.145-890dup (NM_133629.3); c.340dupA (NM_002878.3); short protein forms T114fs, T134fs.
Identifiers: ClinVar variation 2630681 (VCV002630681.2), dbSNP rs1567728649, ClinGen allele CA2695201311.